The following is an entry in ClinVar:

NM_018075.5(ANO10):c.889_890insG (p.Ile297fs)

Gene: ANO10 (anoctamin 10; minus strand). Cytogenetic location: 3p22.1.
Variant type: Insertion.
Coding change: c.889_890insG on transcript NM_018075.5 (MANE Select); coding-DNA positions 889 to 890, G inserted.
Protein change: p.Ile297fs; shifts the reading frame from isoleucine 297.
Molecular consequence: frameshift variant. On other transcripts: intron variant (1).
Genome position: GRCh38 VCF-style: chr3-43576964-A-AC. GRCh37 (hg19) VCF-style: chr3-43618456-A-AC.
Other names: c.889_890insG, p.Ile297fs (NM_001204831.3, NM_001346463.2, NM_001346464.2 and 3 more transcripts); c.691_692insG, p.Ile231fs (NM_001204832.3, NM_001346466.2, NM_001346469.2); c.556_557insG, p.Ile186fs (NM_001204833.3); c.593-2101_593-2100insG (NM_001204834.3); short protein forms I186fs, I231fs, I297fs.
Identifiers: ClinVar variation 5014559 (VCV005014559.1).

ClinVar aggregate classification (germline): Pathogenic (1 of 4 stars; one submission).

Conditions:
Autosomal recessive spinocerebellar ataxia 10. Identifiers: Orphanet 284289, MedGen C3150998, MONDO:0013392, OMIM 613728.

Submission:

Myriad Genetics, Inc.
Classification: Pathogenic for Autosomal recessive spinocerebellar ataxia 10. Last evaluated: 2025-06-06. Review status: criteria provided, single submitter. Criteria: Myriad Autosomal Dominant, Autosomal Recessive and X-Linked Classification Criteria (2023). Collection method: clinical testing. Allele origin: unknown.
Comment: NM_018075.3(ANO10):c.889_890insG(I297Sfs*52) is expected to be pathogenic in the context of spinocerebellar ataxia, ANO10-related. This variant is predicted to lead to an abnormal or absent protein product due to the creation of a premature termination codon in ANO10, a gene where loss-of-function variants are known to be pathogenic. Please note: this variant was assessed in the context of healthy population screening.